The following is an entry in ClinVar:

NM_153026.3(PRICKLE1):c.1899T>C (p.Phe633=)

Gene: PRICKLE1 (prickle planar cell polarity protein 1; minus strand). Cytogenetic location: 12q12.
Variant type: single nucleotide variant.
Coding change: c.1899T>C on transcript NM_153026.3 (MANE Select); coding-DNA position 1899, T replaced by C.
Protein change: p.Phe633=; no amino-acid change (phenylalanine 633 retained).
Molecular consequence: synonymous variant.
Genome position (GRCh38, 1-based): chr12:42,460,406, A>G on the plus strand (T>C on the coding strand, the complement: PRICKLE1 is on the minus strand). VCF-style: chr12-42460406-A-G. GRCh37 (hg19) VCF-style: chr12-42854208-A-G.
Other names: c.1899T>C, p.Phe633= (NM_001144881.2, NM_001144882.2, NM_001144883.2).
Identifiers: ClinVar variation 130024 (VCV000130024.29), dbSNP rs3747563, ClinGen allele CA154765.

ClinVar aggregate classification (germline): Benign. Review status: criteria provided, multiple submitters, no conflicts (2 of 4 stars). 9 submissions from 9 submitters: Benign (6). 3 of the submissions do not count toward it. Last evaluated 2026-02-04.

Conditions:
Epilepsy, progressive myoclonic, 1B. Also called: PME. Identifiers: Orphanet 308, MedGen C2676254, MONDO:0012904, OMIM 612437.

Allele frequency attached by ClinVar (database versions not stated): ExAC 0.34591; gnomAD exomes 0.34909 and 0.36048; 1000 Genomes Project 30x 0.27014; 1000 Genomes Project 0.27057; ESP Exome Variant Server 0.29986; TOPMed 0.31757; gnomAD 0.31969 and 0.32044.
gnomAD v4.1: 574,745 of 1,613,382 alleles (36%); highest among the groups gnomAD compares: Middle Eastern, 39%; 104,864 homozygotes.

Submissions (9):

Labcorp Genetics (formerly Invitae), Labcorp
Classification: Benign for Epilepsy, progressive myoclonic, 1B. Last evaluated: 2026-02-04. Review status: criteria provided, single submitter. Criteria: Invitae Variant Classification Sherloc (09022015). Collection method: clinical testing. Allele origin: germline.

Athena Diagnostics
Classification: Benign. Last evaluated: 2018-05-07. Review status: criteria provided, single submitter. Criteria: Athena Diagnostics Criteria. Collection method: clinical testing. Allele origin: germline.

Ambry Genetics
Classification: Benign. Last evaluated: 2016-01-08. Review status: criteria provided, single submitter. Criteria: Ambry Variant Classification Scheme 2023. Collection method: clinical testing. Allele origin: germline.

GeneDx
Classification: Benign. Last evaluated: 2015-03-03. Review status: criteria provided, single submitter. Criteria: GeneDx Variant Classification Process June 2021. Collection method: clinical testing. Allele origin: germline. Affected: yes.

Eurofins Ntd Llc (ga)
Classification: Benign. Last evaluated: 2014-07-02. Review status: criteria provided, single submitter. Criteria: EGL Classification Definitions 2015. Collection method: clinical testing. Allele origin: germline. Observed: 6 variant alleles, 4 heterozygotes, 2 homozygotes.

Breakthrough Genomics
Classification: Benign. Review status: criteria provided, single submitter. Criteria: ACMG Guidelines, 2015. Collection method: not provided. Allele origin: germline. Inheritance: Autosomal recessive inheritance. Affected: yes.

Diagnostic Laboratory, Department of Genetics, University Medical Center Groningen
Classification: Benign. Review status: no assertion criteria provided. Collection method: clinical testing. Allele origin: germline. Affected: yes. Study: VKGL Data-share Consensus. Not counted in ClinVar's aggregate classification.

Genetic Services Laboratory, University of Chicago
Classification: Likely benign for AllHighlyPenetrant. Review status: no assertion criteria provided. Collection method: clinical testing. Allele origin: germline. Inheritance: Autosomal recessive inheritance. Not counted in ClinVar's aggregate classification.
Comment: Likely benign based on allele frequency in 1000 Genomes Project or ESP global frequency and its presence in a patient with a rare or unrelated disease phenotype. NOT Sanger confirmed.

Genome Diagnostics Laboratory, University Medical Center Utrecht
Classification: Benign. Review status: no assertion criteria provided. Collection method: clinical testing. Allele origin: germline. Affected: yes. Study: VKGL Data-share Consensus. Not counted in ClinVar's aggregate classification.